The following is an entry in ClinVar:

ClinVar aggregate classification (germline): Uncertain significance. Review status: criteria provided, multiple submitters, no conflicts (2 of 4 stars). 2 submissions from 2 submitters: Uncertain significance (2). Last evaluated 2024-02-28.

Conditions:
Hepatic methionine adenosyltransferase deficiency. Also called: Deficiency of methionine adenosyltransferase; Isolated Persistent Hypermethioninemia; Methionine adenosyltransferase deficiency; MAT I/III DEFICIENCY. Identifiers: Orphanet 168598, MedGen C0268621, MeSH C564683, MONDO:0009607, OMIM 250850.
Inborn genetic diseases. Identifiers: MedGen C0950123, MeSH D030342.

Allele frequency attached by ClinVar (database versions not stated): gnomAD exomes below 0.00001.

Submissions (2):

Ambry Genetics
Classification: Uncertain significance for Inborn genetic diseases. Last evaluated: 2024-02-28. Review status: criteria provided, single submitter. Criteria: Ambry Variant Classification Scheme 2023. Collection method: clinical testing. Allele origin: germline.

Labcorp Genetics (formerly Invitae), Labcorp
Classification: Uncertain significance for Hepatic methionine adenosyltransferase deficiency. Last evaluated: 2023-06-25. Review status: criteria provided, single submitter. Criteria: Invitae Variant Classification Sherloc (09022015). Collection method: clinical testing. Allele origin: germline.
Comment: In summary, the available evidence is currently insufficient to determine the role of this variant in disease. Therefore, it has been classified as a Variant of Uncertain Significance. This variant has not been reported in the literature in individuals affected with MAT1A-related conditions. ClinVar contains an entry for this variant (Variation ID: 1939836). Advanced modeling of protein sequence and biophysical properties (such as structural, functional, and spatial information, amino acid conservation, physicochemical variation, residue mobility, and thermodynamic stability) has been performed at Invitae for this missense variant, however the output from this modeling did not meet the statistical confidence thresholds required to predict the impact of this variant on MAT1A protein function. This variant is present in population databases (no rsID available, gnomAD no frequency). This sequence change replaces serine, which is neutral and polar, with proline, which is neutral and non-polar, at codon 170 of the MAT1A protein (p.Ser170Pro).

NM_000429.3(MAT1A):c.508T>C (p.Ser170Pro)

Gene: MAT1A (methionine adenosyltransferase 1A; minus strand). Cytogenetic location: 10q22.3.
Variant type: single nucleotide variant.
Coding change: c.508T>C on transcript NM_000429.3 (MANE Select); coding-DNA position 508, T replaced by C.
Protein change: p.Ser170Pro; replaces serine 170 with proline.
Molecular consequence: missense variant.
Genome position (GRCh38, 1-based): chr10:80,280,214, A>G on the plus strand (T>C on the coding strand, the complement: MAT1A is on the minus strand). VCF-style: chr10-80280214-A-G. GRCh37 (hg19) VCF-style: chr10-82039970-A-G.
Other names: c.508T>C (NM_000429.2); short protein forms S170P.
Identifiers: ClinVar variation 1939836 (VCV001939836.6), dbSNP rs1421843313, ClinGen allele CA377362670.